The following is an entry in ClinVar:

ClinVar aggregate classification (germline): Uncertain significance. Review status: criteria provided, multiple submitters, no conflicts (2 of 4 stars). 2 submissions from 2 submitters: Uncertain significance (2). Last evaluated 2025-09-17.

Conditions:
SFTPD-related disorder. Also called: SFTPD-related condition.

Submissions (2):

PreventionGenetics, part of Exact Sciences
Classification: Uncertain significance for SFTPD-related condition. Last evaluated: 2025-09-17. Review status: criteria provided, single submitter. Criteria: ACMG Guidelines, 2015. Collection method: clinical testing. Allele origin: germline.
Comment: The SFTPD c.110T>A variant is predicted to result in the amino acid substitution p.Leu37Gln. To our knowledge, this variant has not been reported in the literature or in a large population database (gnomAD), indicating this variant is rare. At this time, the clinical significance of this variant is uncertain due to the absence of conclusive functional and genetic evidence.

Genomic Diagnostic Laboratory, Division of Genomic Diagnostics, Children's Hospital of Philadelphia
Classification: Uncertain significance. Last evaluated: 2015-07-24. Review status: criteria provided, single submitter. Criteria: DGD Variant Analysis Guidelines. Collection method: clinical testing. Allele origin: unknown.

NM_003019.5(SFTPD):c.110T>A (p.Leu37Gln)

Gene: SFTPD (surfactant protein D; minus strand). Cytogenetic location: 10q22.3.
Variant type: single nucleotide variant.
Coding change: c.110T>A on transcript NM_003019.5 (MANE Select); coding-DNA position 110, T replaced by A.
Protein change: p.Leu37Gln; replaces leucine 37 with glutamine.
Molecular consequence: missense variant.
Genome position (GRCh38, 1-based): chr10:79,946,550, A>T on the plus strand (T>A on the coding strand, the complement: SFTPD is on the minus strand). VCF-style: chr10-79946550-A-T. GRCh37 (hg19) VCF-style: chr10-81706306-A-T.
Other names: short protein forms L37Q.
Identifiers: ClinVar variation 218619 (VCV000218619.2), dbSNP rs864309581, ClinGen allele CA249423.